The following is an entry in ClinVar:

NM_001267550.2(TTN):c.17183-7C>T

Genes: TTN (titin; minus strand), LOC126806431 (CDK7 strongly-dependent group 2 enhancer GRCh37_chr2:179595719-179596918; plus strand). Cytogenetic location: 2q31.2.
Variant type: single nucleotide variant.
Coding change: c.17183-7C>T on transcript NM_001267550.2 (MANE Select); 7 bases into the intron before coding-DNA position 17183, C replaced by T.
Molecular consequence: intron variant.
Genome position (GRCh38, 1-based): chr2:178,731,590, G>A on the plus strand (C>T on the coding strand, the complement: TTN is on the minus strand). VCF-style: chr2-178731590-G-A. GRCh37 (hg19) VCF-style: chr2-179596317-G-A.
Other names: p.?; c.17183-7C>T (NM_001267550.1); c.13282+6492C>T (NM_003319.4); c.13858+6492C>T (NM_133437.4); c.13657+6492C>T (NM_133432.3); c.13451-7C>T (NM_133378.4); c.16232-7C>T (NM_001256850.1).
Identifiers: ClinVar variation 46622 (VCV000046622.64), dbSNP rs371785683, ClinGen allele CA138786.
Genomic context (GRCh38, chr2:178,731,590, plus strand): 5'-TGCCTCCCCGGAGGGAGCTGGTACTCTCGATCTTCTTTATGAAGGATGGGGGTTCTAACA[G>A]AAGAATGAATTCTCAATCAATATTATCCCTATAGCAAAAGTGGCTTAAAAAAAAGAATTG-3'

ClinVar aggregate classification (germline): Conflicting classifications of pathogenicity. Review status: criteria provided, conflicting classifications (1 of 4 stars). 17 submissions from 13 submitters: Uncertain significance (1); Benign (9); Likely benign (7). Last evaluated 2026-08-01.

Conditions:
TTN-related disorder. Also called: TTN-related disorders; TTN-related condition; TTN-related disease.
Autosomal recessive limb-girdle muscular dystrophy type 2J (LGMDR10). Also called: MUSCULAR DYSTROPHY, LIMB-GIRDLE, AUTOSOMAL RECESSIVE 10; Limb-girdle muscular dystrophy, type 2J. Identifiers: Orphanet 140922, MedGen C1837342, MONDO:0012127, OMIM 608807.
Dilated cardiomyopathy 1G (CMD1G). Identifiers: Orphanet 154, MedGen C1858763, MONDO:0011400, OMIM 604145.
Cardiomyopathy (CMYO). Also called: Cardiomyopathies. Identifiers: Orphanet 167848, MedGen C0878544, MONDO:0004994, HP:0001638. Inheritance: Various modes of inheritance.
Early-onset myopathy with fatal cardiomyopathy (CMYO5). Also called: CONGENITAL MYOPATHY 5 WITH CARDIOMYOPATHY; Salih Myopathy. Identifiers: Orphanet 289377, MedGen C2673677, MONDO:0012714, OMIM 611705. Disease mechanism: loss of function.
Myopathy, myofibrillar, 9, with early respiratory failure (MFM9). Also called: Myopathy, distal, with early respiratory failure, autosomal dominant; Hereditary myopathy with early respiratory failure; EDSTROM MYOPATHY; MYOPATHY, PROXIMAL, WITH EARLY RESPIRATORY MUSCLE INVOLVEMENT. Identifiers: Orphanet 178464, Orphanet 34521, MedGen C1863599, MONDO:0011362, OMIM 603689.
Tibial muscular dystrophy (TMD). Also called: Tibial muscular dystrophy, tardive; Udd Distal Myopathy – Tibial Muscular Dystrophy; UDD MYOPATHY. Identifiers: Orphanet 609, MedGen C1838244, MONDO:0010870, OMIM 600334.

Allele frequency attached by ClinVar (database versions not stated): gnomAD exomes 0.00109; ExAC 0.00121; 1000 Genomes Project 0.00260; gnomAD 0.00009 and 0.00036; TOPMed 0.00015; 1000 Genomes Project 30x 0.00234.

Submissions (17):

CeGaT Center for Human Genetics Tuebingen
Classification: Likely benign. Last evaluated: 2026-08-01. Review status: criteria provided, single submitter. Criteria: CeGaT Center For Human Genetics Tuebingen Variant Classification Criteria Version 2. Collection method: clinical testing. Allele origin: germline. Affected: yes. Observed: 10 variant alleles.
Comment: TTN: BP4

Labcorp Genetics (formerly Invitae), Labcorp
Classification: Benign for Dilated cardiomyopathy 1G; Autosomal recessive limb-girdle muscular dystrophy type 2J. Last evaluated: 2026-02-03. Review status: criteria provided, single submitter. Criteria: Invitae Variant Classification Sherloc (09022015). Collection method: clinical testing. Allele origin: germline.

Women's Health and Genetics/Laboratory Corporation of America, LabCorp
Classification: Benign. Last evaluated: 2026-01-26. Review status: criteria provided, single submitter. Criteria: LabCorp Variant Classification Summary - May 2015. Collection method: clinical testing. Allele origin: germline.

Molecular Diagnostic Laboratory for Inherited Cardiovascular Disease, Montreal Heart Institute
Classification: Likely benign. Last evaluated: 2025-04-09. Review status: criteria provided, single submitter. Criteria: ACMG Guidelines, 2015. Collection method: clinical testing. Allele origin: germline. Affected: no.

Blueprint Genetics
Classification: Likely benign. Last evaluated: 2024-11-25. Review status: criteria provided, single submitter. Criteria: ACMG Guidelines, 2015. Collection method: clinical testing. Allele origin: germline.

PreventionGenetics, part of Exact Sciences
Classification: Benign for TTN-related condition. Last evaluated: 2024-10-07. Review status: criteria provided, single submitter. Criteria: ACMG Guidelines, 2015. Collection method: clinical testing. Allele origin: germline.
Comment: This variant is classified as benign based on ACMG/AMP sequence variant interpretation guidelines (Richards et al. 2015 PMID: 25741868, with internal and published modifications).

Mayo Clinic Laboratories, Mayo Clinic
Classification: Benign. Last evaluated: 2024-09-30. Review status: criteria provided, single submitter. Criteria: ACMG Guidelines, 2015. Collection method: clinical testing. Allele origin: germline. Observed: 2 variant alleles.
Comment: BS1, BS2, BP4, BP7

Athena Diagnostics
Classification: Benign. Last evaluated: 2021-06-07. Review status: criteria provided, single submitter. Criteria: Athena Diagnostics criteria. Collection method: clinical testing. Allele origin: unknown.

Laboratory for Molecular Medicine, Mass General Brigham Personalized Medicine
Classification: Likely benign. Last evaluated: 2021-01-26. Review status: criteria provided, single submitter. Criteria: ACMG Guidelines, 2015. Collection method: clinical testing. Allele origin: germline.
Comment: 13451-7C>T in intron 55 of TTN: This variant is not expected to have clinical significance because a C>T change at this position does not diverge from the splice consensus sequence and does not impact splicing. Additionally, it has been identified in 0.9% (215/25030) South Asian and 0.02% (17/104638) European chromosomes by gnomAD. ACMG/AMP criteria applied: BS1, BS4.

CHEO Genetics Diagnostic Laboratory, Children's Hospital of Eastern Ontario
Classification: Benign for Cardiomyopathy. Last evaluated: 2018-03-26. Review status: criteria provided, single submitter. Criteria: ACMG Guidelines, 2015. Collection method: clinical testing. Allele origin: germline.

Illumina Laboratory Services, Illumina
Classification: Likely benign for Dilated cardiomyopathy 1G. Last evaluated: 2018-01-12. Review status: criteria provided, single submitter. Criteria: ICSL Variant Classification Criteria 13 December 2019. Collection method: clinical testing. Allele origin: germline.
Comment: This variant was observed in the ICSL laboratory as part of a predisposition screen in an ostensibly healthy population. It had not been previously curated by ICSL or reported in the Human Gene Mutation Database (HGMD: prior to June 1st, 2018), and was therefore a candidate for classification through an automated scoring system. Utilizing variant allele frequency, disease prevalence and penetrance estimates, and inheritance mode, an automated score was calculated to assess if this variant is too frequent to cause the disease. Based on the score and internal cut-off values, a variant classified as likely benign is not then subjected to further curation. The score for this variant resulted in a classification of likely benign for this disease.

Illumina Laboratory Services, Illumina
Classification: Benign for Myopathy, myofibrillar, 9, with early respiratory failure. Last evaluated: 2018-01-12. Review status: criteria provided, single submitter. Criteria: ICSL Variant Classification Criteria 13 December 2019. Collection method: clinical testing. Allele origin: germline.
Comment: This variant was observed in the ICSL laboratory as part of a predisposition screen in an ostensibly healthy population. It had not been previously curated by ICSL or reported in the Human Gene Mutation Database (HGMD: prior to June 1st, 2018), and was therefore a candidate for classification through an automated scoring system. Utilizing variant allele frequency, disease prevalence and penetrance estimates, and inheritance mode, an automated score was calculated to assess if this variant is too frequent to cause the disease. Based on the score and internal cut-off values, a variant classified as benign is not then subjected to further curation. The score for this variant resulted in a classification of benign for this disease.

Illumina Laboratory Services, Illumina
Classification: Benign for Tibial muscular dystrophy. Last evaluated: 2018-01-12. Review status: criteria provided, single submitter. Criteria: ICSL Variant Classification Criteria 13 December 2019. Collection method: clinical testing. Allele origin: germline.
Comment: the same text as in the submission from Illumina Laboratory Services, Illumina above.

Illumina Laboratory Services, Illumina
Classification: Likely benign for Early-onset myopathy with fatal cardiomyopathy. Last evaluated: 2018-01-12. Review status: criteria provided, single submitter. Criteria: ICSL Variant Classification Criteria 13 December 2019. Collection method: clinical testing. Allele origin: germline.
Comment: the same text as in the submission from Illumina Laboratory Services, Illumina above.

Illumina Laboratory Services, Illumina
Classification: Uncertain significance for Autosomal recessive limb-girdle muscular dystrophy type 2J. Last evaluated: 2018-01-12. Review status: criteria provided, single submitter. Criteria: ICSL Variant Classification Criteria 13 December 2019. Collection method: clinical testing. Allele origin: germline.

Genetic Services Laboratory, University of Chicago
Classification: Likely benign. Last evaluated: 2015-04-10. Review status: criteria provided, single submitter. Criteria: ACMG Guidelines, 2015. Collection method: clinical testing. Allele origin: germline.

GeneDx
Classification: Benign. Last evaluated: 2015-03-27. Review status: criteria provided, single submitter. Criteria: GeneDx Variant Classification (06012015). Collection method: clinical testing. Allele origin: germline. Affected: yes.
Comment: This variant is considered likely benign or benign based on one or more of the following criteria: it is a conservative change, it occurs at a poorly conserved position in the protein, it is predicted to be benign by multiple in silico algorithms, and/or has population frequency not consistent with disease.